The following is an entry in ClinVar:

NM_032634.4(PIGO):c.1307G>A (p.Arg436Gln)

Gene: PIGO (phosphatidylinositol glycan anchor biosynthesis class O; minus strand). Cytogenetic location: 9p13.3.
Variant type: single nucleotide variant.
Coding change: c.1307G>A on transcript NM_032634.4 (MANE Select); coding-DNA position 1307, G replaced by A.
Protein change: p.Arg436Gln; replaces arginine 436 with glutamine.
Molecular consequence: missense variant.
Genome position (GRCh38, 1-based): chr9:35,092,580, C>T on the plus strand (G>A on the coding strand, the complement: PIGO is on the minus strand). VCF-style: chr9-35092580-C-T. GRCh37 (hg19) VCF-style: chr9-35092577-C-T.
Other names: c.1307G>A, p.Arg436Gln (NM_001201484.2, NM_152850.4); short protein forms R436Q.
Identifiers: ClinVar variation 1045482 (VCV001045482.8), dbSNP rs772960218, ClinGen allele CA5040664.

ClinVar aggregate classification (germline): Uncertain significance (1 of 4 stars; one submission).

Conditions:
Hyperphosphatasia with impaired intellectual development syndrome 2. Also called: Hyperphosphatasia with intellectual disability syndrome 2; GLYCOSYLPHOSPHATIDYLINOSITOL BIOSYNTHESIS DEFECT 6. Identifiers: Orphanet 247262, MedGen C3553637, MONDO:0013882, OMIM 614749.

Allele frequency attached by ClinVar (database versions not stated): ExAC 0.00002; gnomAD exomes 0.00001; TOPMed 0.00002; gnomAD 0.00001.
gnomAD v4.1: 7 of 1,614,114 alleles (0.00043%); highest among the groups gnomAD compares: African/African-American, 0.0027%; no homozygotes.

Submission:

Labcorp Genetics (formerly Invitae), Labcorp
Classification: Uncertain significance for Hyperphosphatasia with impaired intellectual development syndrome 2. Last evaluated: 2024-12-17. Review status: criteria provided, single submitter. Criteria: Invitae Variant Classification Sherloc (09022015). Collection method: clinical testing. Allele origin: germline.
Comment: This sequence change replaces arginine, which is basic and polar, with glutamine, which is neutral and polar, at codon 436 of the PIGO protein (p.Arg436Gln). This variant is present in population databases (rs772960218, gnomAD 0.003%). This variant has not been reported in the literature in individuals affected with PIGO-related conditions. ClinVar contains an entry for this variant (Variation ID: 1045482). Invitae Evidence Modeling of protein sequence and biophysical properties (such as structural, functional, and spatial information, amino acid conservation, physicochemical variation, residue mobility, and thermodynamic stability) indicates that this missense variant is not expected to disrupt PIGO protein function with a negative predictive value of 95%. In summary, the available evidence is currently insufficient to determine the role of this variant in disease. Therefore, it has been classified as a Variant of Uncertain Significance.